The following is an entry in ClinVar:

ClinVar aggregate classification (germline): Pathogenic. Review status: criteria provided, multiple submitters, no conflicts (2 of 4 stars). 9 submissions from 9 submitters: Pathogenic (9). Last evaluated 2026-01-28.

Conditions:
Hereditary cancer-predisposing syndrome. Also called: Hereditary neoplastic syndrome; Neoplastic Syndromes, Hereditary; Hereditary Cancer Syndrome; Tumor predisposition. Identifiers: Orphanet 140162, MedGen C0027672, MeSH D009386, MONDO:0015356.
Hereditary breast ovarian cancer syndrome. Also called: Breast and ovarian cancer; Hereditary breast and/or ovarian cancer syndrome; Hereditary breast and ovarian cancer syndrome (HBOC); Hereditary breast and ovarian cancer; BRCA1- and BRCA2-Associated Hereditary Breast and Ovarian Cancer; Hereditary breast and ovarian cancer syndrome. Identifiers: Orphanet 145, MedGen C0677776, MeSH D061325, MONDO:0003582. Disease mechanism: loss of function.
Familial cancer of breast. Also called: Hereditary breast cancer; hereditary breast carcinoma; BREAST CANCER, FAMILIAL. Identifiers: Orphanet 227535, MedGen C0346153, MONDO:0016419, OMIM 114480. Disease mechanism: loss of function.
Fanconi anemia complementation group J. Also called: BRIP1-Related Fanconi Anemia. Identifiers: Orphanet 84, MedGen C1836860, MONDO:0012187, OMIM 609054.

Allele frequency attached by ClinVar (database versions not stated): TOPMed 0.00001.

Submissions (9):

Labcorp Genetics (formerly Invitae), Labcorp
Classification: Pathogenic for Familial cancer of breast; Fanconi anemia complementation group J. Last evaluated: 2026-01-28. Review status: criteria provided, single submitter. Criteria: Invitae Variant Classification Sherloc (09022015). Collection method: clinical testing. Allele origin: germline.
Comment: This sequence change creates a premature translational stop signal (p.Trp647*) in the BRIP1 gene. It is expected to result in an absent or disrupted protein product. Loss-of-function variants in BRIP1 are known to be pathogenic (PMID: 16116423, 17033622, 21964575). This variant is not present in population databases (gnomAD no frequency). This variant has not been reported in the literature in individuals affected with BRIP1-related conditions. ClinVar contains an entry for this variant (Variation ID: 485455). For these reasons, this variant has been classified as Pathogenic.

CeGaT Center for Human Genetics Tuebingen
Classification: Pathogenic. Last evaluated: 2025-05-01. Review status: criteria provided, single submitter. Criteria: CeGaT Center For Human Genetics Tuebingen Variant Classification Criteria Version 2. Collection method: clinical testing. Allele origin: germline. Affected: yes. Observed: 1 variant allele.
Comment: BRIP1: PVS1, PM2

GeneDx
Classification: Pathogenic. Last evaluated: 2025-01-02. Review status: criteria provided, single submitter. Criteria: GeneDx Variant Classification Process June 2021. Collection method: clinical testing. Allele origin: germline. Affected: yes.
Comment: Nonsense variant predicted to result in protein truncation or nonsense mediated decay in a gene for which loss of function is a known mechanism of disease; Not observed at significant frequency in large population cohorts (gnomAD); This variant is associated with the following publications: (PMID: 32359370, 28888541)

Ambry Genetics
Classification: Pathogenic for Hereditary cancer-predisposing syndrome. Last evaluated: 2024-12-10. Review status: criteria provided, single submitter. Criteria: Ambry Variant Classification Scheme 2023. Collection method: clinical testing. Allele origin: germline.
Comment: The p.W647* pathogenic mutation (also known as c.1941G>A), located in coding exon 13 of the BRIP1 gene, results from a G to A substitution at nucleotide position 1941. This changes the amino acid from a tryptophan to a stop codon within coding exon 13. This alteration is expected to result in loss of function by premature protein truncation or nonsense-mediated mRNA decay. As such, this alteration is interpreted as a disease-causing mutation.

Baylor Genetics
Classification: Pathogenic for Familial cancer of breast. Last evaluated: 2023-09-03. Review status: criteria provided, single submitter. Criteria: ACMG Guidelines, 2015. Collection method: clinical testing. Allele origin: unknown.

Myriad Genetics, Inc.
Classification: Pathogenic for Familial cancer of breast. Last evaluated: 2023-06-05. Review status: criteria provided, single submitter. Criteria: Myriad Autosomal Dominant, Autosomal Recessive and X-Linked Classification Criteria (2023). Collection method: clinical testing. Allele origin: unknown.
Comment: This variant is considered pathogenic. This variant creates a termination codon and is predicted to result in premature protein truncation.

Color Diagnostics, LLC DBA Color Health
Classification: Pathogenic for Hereditary cancer-predisposing syndrome. Last evaluated: 2021-09-20. Review status: criteria provided, single submitter. Criteria: ACMG Guidelines, 2015. Collection method: clinical testing. Allele origin: germline.
Comment: This variant changes 1 nucleotide in exon 14 of the BRIP1 gene, creating a premature translation stop signal. This variant is expected to result in an absent or non-functional protein product. To our knowledge, functional studies have not been reported for this variant. This variant has been reported in an individual affected with ovarian cancer (PMID: 32359370). This variant has not been identified in the general population by the Genome Aggregation Database (gnomAD). Loss of BRIP1 function is a known mechanism of disease. Based on the available evidence, this variant is classified as Pathogenic.

Women's Health and Genetics/Laboratory Corporation of America, LabCorp
Classification: Pathogenic for Hereditary breast ovarian cancer syndrome. Last evaluated: 2021-05-30. Review status: criteria provided, single submitter. Criteria: LabCorp Variant Classification Summary - May 2015. Collection method: clinical testing. Allele origin: germline.
Comment: Variant summary: BRIP1 c.1941G>A (p.Trp647X) results in a premature termination codon, predicted to cause a truncation of the encoded protein or absence of the protein due to nonsense mediated decay, which are commonly known mechanisms for disease. Truncations downstream of this position have been classified as pathogenic by our laboratory. The variant was absent in 251268 control chromosomes. c.1941G>A has been reported in the literature in at-least one individual affected with Ovarian Cancer in a recent large scale meta-analysis based on a comparison of a total of approximately 29,400 ovarian cancer patients from 63 studies and a total of approximately 116,000 controls (Suszynska_2020). This large study provides stronger evidence for the pathogenic role of BRIP1 along with RAD51C and RAD51D mutations in Ovarian Cancer. To our knowledge, no experimental evidence demonstrating an impact on protein function has been reported. Three clinical diagnostic laboratories have submitted clinical-significance assessments for this variant to ClinVar after 2014 without evidence for independent evaluation. All laboratories classified the variant as pathogenic (n=2)/likely pathogenic (n=1). Based on the evidence outlined above, the variant was classified as pathogenic.

Revvity Omics, Revvity
Classification: Pathogenic for Fanconi anemia complementation group J. Last evaluated: 2019-02-19. Review status: criteria provided, single submitter. Criteria: ACMG Guidelines, 2015. Collection method: clinical testing. Allele origin: germline.

Literature cited by the submitters: PubMed 16116423 (cited by Labcorp Genetics (formerly Invitae), Labcorp); PubMed 17033622 (cited by Labcorp Genetics (formerly Invitae), Labcorp); PubMed 21964575 (cited by Labcorp Genetics (formerly Invitae), Labcorp); PubMed 32359370 (cited by Color Diagnostics, LLC DBA Color Health and Women's Health and Genetics/Laboratory Corporation of America, LabCorp).

NM_032043.3(BRIP1):c.1941G>A (p.Trp647Ter)

Gene: BRIP1 (BRCA1 interacting DNA helicase 1; minus strand). Cytogenetic location: 17q23.2.
Variant type: single nucleotide variant.
Coding change: c.1941G>A on transcript NM_032043.3 (MANE Select); coding-DNA position 1941, G replaced by A.
Protein change: p.Trp647Ter; replaces tryptophan 647 with a stop codon.
Molecular consequence: nonsense.
Genome position (GRCh38, 1-based): chr17:61,776,557, C>T on the plus strand (G>A on the coding strand, the complement: BRIP1 is on the minus strand). VCF-style: chr17-61776557-C-T. GRCh37 (hg19) VCF-style: chr17-59853918-C-T.
Other names: short protein forms W647*.
Identifiers: ClinVar variation 485455 (VCV000485455.38), dbSNP rs786202760, ClinGen allele CA400478637.
Genomic context (GRCh38, chr17:61,776,557, plus strand): 5'-AGTATTCTGGAAGGTAGCACAGAGATTCCGACCCTTGGGGCCTGACCCAATGGTACCAAC[C>T]CAAACCTAGAATATGAATATGTCATTATTAGAGTTATGCCTGAAAAAGGCATGGAAATTA-3'